The following is an entry in ClinVar:

NM_007373.4(SHOC2):c.22G>C (p.Glu8Gln)

Gene: SHOC2 (SHOC2 leucine rich repeat scaffold protein; plus strand). Cytogenetic location: 10q25.2.
Variant type: single nucleotide variant.
Coding change: c.22G>C on transcript NM_007373.4 (MANE Select); coding-DNA position 22, G replaced by C.
Protein change: p.Glu8Gln; replaces glutamic acid 8 with glutamine.
Molecular consequence: missense variant.
Genome position (GRCh38, 1-based): chr10:110,964,380, G>C. VCF-style: chr10-110964380-G-C. GRCh37 (hg19) VCF-style: chr10-112724138-G-C.
Other names: c.22G>C, p.Glu8Gln (NM_001269039.3, NM_001324336.2, NM_001324337.2); short protein forms E8Q.
Identifiers: ClinVar variation 2795797 (VCV002795797.3), dbSNP rs2493837804, ClinGen allele CA378380305.

ClinVar aggregate classification (germline): Uncertain significance (1 of 4 stars; one submission).

Conditions:
RASopathy. Also called: Noonan spectrum disorder; rasopathies. Identifiers: Orphanet 536391, MedGen C5555857, MONDO:0021060.

Submission:

Labcorp Genetics (formerly Invitae), Labcorp
Classification: Uncertain significance for RASopathy. Last evaluated: 2023-06-22. Review status: criteria provided, single submitter. Criteria: Invitae Variant Classification Sherloc (09022015). Collection method: clinical testing. Allele origin: germline.
Comment: This sequence change replaces glutamic acid, which is acidic and polar, with glutamine, which is neutral and polar, at codon 8 of the SHOC2 protein (p.Glu8Gln). This variant is not present in population databases (gnomAD no frequency). This variant has not been reported in the literature in individuals affected with SHOC2-related conditions. An algorithm developed to predict the effect of missense changes on protein structure and function (PolyPhen-2) suggests that this variant is likely to be tolerated. In summary, the available evidence is currently insufficient to determine the role of this variant in disease. Therefore, it has been classified as a Variant of Uncertain Significance.